The following is an entry in ClinVar:

NM_006421.5(ARFGEF1):c.3906G>A (p.Gly1302=)

Gene: ARFGEF1 (ARF guanine nucleotide exchange factor 1; minus strand). Cytogenetic location: 8q13.2.
Variant type: single nucleotide variant.
Coding change: c.3906G>A on transcript NM_006421.5 (MANE Select); coding-DNA position 3906, G replaced by A.
Protein change: p.Gly1302=; no amino-acid change (glycine 1302 retained).
Molecular consequence: synonymous variant. On other transcripts: non-coding transcript variant (1).
Genome position (GRCh38, 1-based): chr8:67,227,147, C>T on the plus strand (G>A on the coding strand, the complement: ARFGEF1 is on the minus strand). VCF-style: chr8-67227147-C-T. GRCh37 (hg19) VCF-style: chr8-68139382-C-T.
Other names: c.3906G>A, p.Gly1302= (NM_001413184.1, NM_001413185.1, NM_001413186.1 and 6 more transcripts); c.3306G>A, p.Gly1102= (NM_001413188.1, NM_001413193.1, NM_001413197.1); c.3900G>A, p.Gly1300= (NM_001413190.1); c.2481G>A, p.Gly827= (NM_001413196.1).
Identifiers: ClinVar variation 5038883 (VCV005038883.1).

ClinVar aggregate classification (germline): Likely benign (1 of 4 stars; one submission).

gnomAD v4.1: 59 of 1,611,824 alleles (0.0037%); highest among the groups gnomAD compares: Middle Eastern, 0.033%; no homozygotes.

Submission:

CeGaT Center for Human Genetics Tuebingen
Classification: Likely benign. Last evaluated: 2026-08-01. Review status: criteria provided, single submitter. Criteria: CeGaT Center For Human Genetics Tuebingen Variant Classification Criteria Version 2. Collection method: clinical testing. Allele origin: germline. Affected: yes. Observed: 1 variant allele.
Comment: ARFGEF1: BP4, BP7